The following is an entry in ClinVar:

ClinVar aggregate classification (germline): Benign/Likely benign. Review status: criteria provided, multiple submitters, no conflicts (2 of 4 stars). 4 submissions from 4 submitters: Benign (2); Likely benign (1). 1 of the submissions does not count toward it. Last evaluated 2026-01-22.

Conditions:
VPS13D-related disorder. Also called: VPS13D-related condition.

Allele frequency attached by ClinVar (database versions not stated): gnomAD exomes 0.00054 and 0.00155; ExAC 0.00178; gnomAD 0.00541 and 0.00579; TOPMed 0.00665; ESP Exome Variant Server 0.00669; 1000 Genomes Project 0.00699; 1000 Genomes Project 30x 0.00703.
gnomAD v4.1: 1,619 of 1,614,160 alleles (0.1%); highest among the groups gnomAD compares: African/African-American, 1.9%; 11 homozygotes.

Submissions (4):

Labcorp Genetics (formerly Invitae), Labcorp
Classification: Benign. Last evaluated: 2026-01-22. Review status: criteria provided, single submitter. Criteria: Invitae Variant Classification Sherloc (09022015). Collection method: clinical testing. Allele origin: germline.

Blueprint Genetics
Classification: Likely benign. Last evaluated: 2024-07-19. Review status: criteria provided, single submitter. Criteria: ACMG Guidelines, 2015. Collection method: clinical testing. Allele origin: germline.

Mayo Clinic Laboratories, Mayo Clinic
Classification: Benign. Last evaluated: 2024-02-27. Review status: criteria provided, single submitter. Criteria: ACMG Guidelines, 2015. Collection method: clinical testing. Allele origin: germline. Observed: 6 variant alleles.
Comment: BA1, BP4, BP7

PreventionGenetics, part of Exact Sciences
Classification: Benign for VPS13D-related condition. Last evaluated: 2019-03-22. Review status: no assertion criteria provided. Collection method: clinical testing. Allele origin: germline. Not counted in ClinVar's aggregate classification.
Comment: This variant is classified as benign based on ACMG/AMP sequence variant interpretation guidelines (Richards et al. 2015 PMID: 25741868, with internal and published modifications).

NM_015378.4(VPS13D):c.417C>T (p.Ser139=)

Gene: VPS13D (vacuolar protein sorting 13 homolog D; plus strand). Cytogenetic location: 1p36.22.
Variant type: single nucleotide variant.
Coding change: c.417C>T on transcript NM_015378.4 (MANE Select); coding-DNA position 417, C replaced by T.
Protein change: p.Ser139=; no amino-acid change (serine 139 retained).
Molecular consequence: synonymous variant.
Genome position (GRCh38, 1-based): chr1:12,244,587, C>T. VCF-style: chr1-12244587-C-T. GRCh37 (hg19) VCF-style: chr1-12304644-C-T.
Other names: p.Ser139=; c.417C>T, p.Ser139= (NM_018156.4).
Identifiers: ClinVar variation 767653 (VCV000767653.14), dbSNP rs34489138, ClinGen allele CA601202.
Genomic context (GRCh38, chr1:12,244,587, plus strand): 5'-GTCTTTGTAGAATGACCGCCAGCAGAAAGGGGAGTCCTATTGGTATTCAGTTACCGCCTC[C>T]GTAGTTACAAGGATTGTGGAGAATATTGAAGTAAGTCCTGCTGACTTTTATAAAAGTATC-3'
Protein context (NP_056193.2, residues 129-149): GESYWYSVTA[Ser139=]VVTRIVENIE